The following is an entry in ClinVar:

ClinVar aggregate classification (germline): Uncertain significance. Review status: criteria provided, multiple submitters, no conflicts (2 of 4 stars). 2 submissions from 2 submitters: Uncertain significance (2). Last evaluated 2022-02-11.

Allele frequency attached by ClinVar (database versions not stated): gnomAD exomes 0.00005 and 0.00012; gnomAD 0.00009; TOPMed 0.00011; ExAC 0.00012; ESP Exome Variant Server 0.00015.

Submissions (2):

Labcorp Genetics (formerly Invitae), Labcorp
Classification: Uncertain significance. Last evaluated: 2022-02-11. Review status: criteria provided, single submitter. Criteria: Invitae Variant Classification Sherloc (09022015). Collection method: clinical testing. Allele origin: germline.
Comment: This sequence change replaces lysine, which is basic and polar, with arginine, which is basic and polar, at codon 442 of the MTPAP protein (p.Lys442Arg). This variant is present in population databases (rs201004319, gnomAD 0.01%). This variant has not been reported in the literature in individuals affected with MTPAP-related conditions. ClinVar contains an entry for this variant (Variation ID: 805054). Algorithms developed to predict the effect of missense changes on protein structure and function output the following: SIFT: "Tolerated"; PolyPhen-2: "Benign"; Align-GVGD: "Class C0". The arginine amino acid residue is found in multiple mammalian species, which suggests that this missense change does not adversely affect protein function. In summary, the available evidence is currently insufficient to determine the role of this variant in disease. Therefore, it has been classified as a Variant of Uncertain Significance.

Athena Diagnostics
Classification: Uncertain significance. Last evaluated: 2020-08-11. Review status: criteria provided, single submitter. Criteria: Athena Diagnostics Criteria. Collection method: clinical testing. Allele origin: unknown.

NM_018109.4(MTPAP):c.1325A>G (p.Lys442Arg)

Gene: MTPAP (mitochondrial poly(A) polymerase; minus strand). Cytogenetic location: 10p11.23.
Variant type: single nucleotide variant.
Coding change: c.1325A>G on transcript NM_018109.4 (MANE Select); coding-DNA position 1325, A replaced by G.
Protein change: p.Lys442Arg; replaces lysine 442 with arginine.
Molecular consequence: missense variant.
Genome position (GRCh38, 1-based): chr10:30,316,024, T>C on the plus strand (A>G on the coding strand, the complement: MTPAP is on the minus strand). VCF-style: chr10-30316024-T-C. GRCh37 (hg19) VCF-style: chr10-30604953-T-C.
Other names: short protein forms K442R.
Identifiers: ClinVar variation 805054 (VCV000805054.4), dbSNP rs201004319, ClinGen allele CA5458977.
Genomic context (GRCh38, chr10:30,316,024, plus strand): 5'-TGTCGAATATTTATGGAATTTTTATCGAAAGCAAAATTGCCAAAATACTCAAAAAATTCC[T>C]TCAGTAGTAATTCTGTAAGAAAATAAAACAAGGACAATCAGAGGAAAGCCTGTTTCAATC-3'
Protein context (NP_060579.3, residues 432-452): QNTETLELLL[Lys442Arg]EFFEYFGNFA